The following is an entry in ClinVar:

ClinVar aggregate classification (germline): Uncertain significance. Review status: criteria provided, multiple submitters, no conflicts (2 of 4 stars). 2 submissions from 2 submitters: Uncertain significance (2). Last evaluated 2025-01-02.

Conditions:
Hereditary spastic paraplegia 7 (SPG7). Also called: SPG7-related neurologic disorder; Spastic paraplegia 7; Hereditary spastic paraplegia Paraplegin type; Autosomal recessive spastic paraplegia type 7; SPASTIC PARAPLEGIA 7, AUTOSOMAL RECESSIVE, WITH OR WITHOUT CEREBELLAR ATAXIA. Identifiers: Orphanet 99013, MedGen C1846564, MONDO:0011803, OMIM 607259.
Inborn genetic diseases. Identifiers: MedGen C0950123, MeSH D030342.

gnomAD v4.1: 2 of 1,492,058 alleles (0.00013%); highest among the groups gnomAD compares: East Asian, 0.0028%; no homozygotes.

Submissions (2):

Ambry Genetics
Classification: Uncertain significance for Inborn genetic diseases. Last evaluated: 2025-01-02. Review status: criteria provided, single submitter. Criteria: Ambry Variant Classification Scheme 2023. Collection method: clinical testing. Allele origin: germline.

Labcorp Genetics (formerly Invitae), Labcorp
Classification: Uncertain significance for Hereditary spastic paraplegia 7. Last evaluated: 2023-11-02. Review status: criteria provided, single submitter. Criteria: Invitae Variant Classification Sherloc (09022015). Collection method: clinical testing. Allele origin: germline.
Comment: This sequence change replaces leucine, which is neutral and non-polar, with proline, which is neutral and non-polar, at codon 4 of the SPG7 protein (p.Leu4Pro). This variant is not present in population databases (gnomAD no frequency). This variant has not been reported in the literature in individuals affected with SPG7-related conditions. Advanced modeling of protein sequence and biophysical properties (such as structural, functional, and spatial information, amino acid conservation, physicochemical variation, residue mobility, and thermodynamic stability) performed at Invitae indicates that this missense variant is not expected to disrupt SPG7 protein function with a negative predictive value of 95%. In summary, the available evidence is currently insufficient to determine the role of this variant in disease. Therefore, it has been classified as a Variant of Uncertain Significance.

NM_003119.4(SPG7):c.11T>C (p.Leu4Pro)

Genes: SPG7 (SPG7 matrix AAA peptidase subunit, paraplegin; plus strand), LOC130059818 (ATAC-STARR-seq lymphoblastoid silent region 7911; plus strand). Cytogenetic location: 16q24.3.
Variant type: single nucleotide variant.
Coding change: c.11T>C on transcript NM_003119.4 (MANE Select); coding-DNA position 11, T replaced by C.
Protein change: p.Leu4Pro; replaces leucine 4 with proline.
Molecular consequence: missense variant.
Genome position (GRCh38, 1-based): chr16:89,508,428, T>C. VCF-style: chr16-89508428-T-C. GRCh37 (hg19) VCF-style: chr16-89574836-T-C.
Other names: c.11T>C (NM_003119.2); c.11T>C, p.Leu4Pro (NM_001363850.1, NM_199367.3); short protein forms L4P.
Identifiers: ClinVar variation 2884757 (VCV002884757.4), dbSNP rs2057958357, ClinGen allele CA397415827.